The following is an entry in ClinVar:

NM_012418.4(FSCN2):c.904A>T (p.Lys302Ter)

Gene: FSCN2 (fascin actin-bundling protein 2, retinal; plus strand). Cytogenetic location: 17q25.3.
Variant type: single nucleotide variant.
Coding change: c.904A>T on transcript NM_012418.4 (MANE Select); coding-DNA position 904, A replaced by T.
Protein change: p.Lys302Ter; replaces lysine 302 with a stop codon.
Molecular consequence: nonsense.
Genome position (GRCh38, 1-based): chr17:81,535,129, A>T. VCF-style: chr17-81535129-A-T. GRCh37 (hg19) VCF-style: chr17-79502155-A-T.
Other names: c.904A>T, p.Lys302Ter (NM_001077182.3); short protein forms K302*.
Identifiers: ClinVar variation 840202 (VCV000840202.12), dbSNP rs561813825, ClinGen allele CA8836899.

ClinVar aggregate classification (germline): Uncertain significance. Review status: criteria provided, multiple submitters, no conflicts (2 of 4 stars). 2 submissions from 2 submitters: Uncertain significance (2). Last evaluated 2025-07-30.

Allele frequency attached by ClinVar (database versions not stated): gnomAD exomes 0.00001; TOPMed 0.00003; gnomAD 0.00001; 1000 Genomes Project 30x 0.00016; 1000 Genomes Project 0.00020; ExAC below 0.00001.
gnomAD v4.1: 16 of 1,534,122 alleles (0.001%); highest among the groups gnomAD compares: Admixed American, 0.0098%; no homozygotes.

Submissions (2):

Labcorp Genetics (formerly Invitae), Labcorp
Classification: Uncertain significance. Last evaluated: 2025-07-30. Review status: criteria provided, single submitter. Criteria: Invitae Variant Classification Sherloc (09022015). Collection method: clinical testing. Allele origin: germline.
Comment: This sequence change creates a premature translational stop signal (p.Lys302*) in the FSCN2 gene. It is expected to result in an absent or disrupted protein product. However, the current clinical and genetic evidence is not sufficient to establish whether loss-of-function variants in FSCN2 cause disease. This variant is present in population databases (rs561813825, gnomAD no frequency). This premature translational stop signal has been observed in individual(s) with autosomal dominant retinitis pigmentosa, although it did not segregate with disease (PMID: 16280978). ClinVar contains an entry for this variant (Variation ID: 840202). In summary, the available evidence is currently insufficient to determine the role of this variant in disease. Therefore, it has been classified as a Variant of Uncertain Significance.

Mendelics
Classification: Uncertain significance. Last evaluated: 2022-05-04. Review status: criteria provided, single submitter. Criteria: Mendelics Assertion Criteria 2019. Collection method: clinical testing. Allele origin: germline.

Literature cited by the submitters: PubMed 16280978 (cited by Labcorp Genetics (formerly Invitae), Labcorp).